The following is an entry in ClinVar:

ClinVar aggregate classification (germline): Likely pathogenic (1 of 4 stars; one submission).

Conditions:
Cataract 38. Also called: Cataract, autosomal recessive congenital 5; Cataract 38, autosomal recessive. Identifiers: Orphanet 91492, MedGen C3553494, MONDO:0013859, OMIM 614691.
Sengers syndrome. Also called: MITOCHONDRIAL DNA DEPLETION SYNDROME 10 (CARDIOMYOPATHIC TYPE); Cardiomyopathy and cataract. Identifiers: Orphanet 1369, MedGen C1859317, MONDO:0008922, OMIM 212350.

Submission:

Labcorp Genetics (formerly Invitae), Labcorp
Classification: Likely pathogenic for Sengers syndrome; Cataract 38. Last evaluated: 2025-11-16. Review status: criteria provided, single submitter. Criteria: Invitae Variant Classification Sherloc (09022015). Collection method: clinical testing. Allele origin: germline.
Comment: This sequence change creates a premature translational stop signal (p.Ser384*) in the AGK gene. While this is not anticipated to result in nonsense mediated decay, it is expected to disrupt the last 39 amino acid(s) of the AGK protein. This variant is present in population databases (rs773677513, gnomAD 0.002%). This variant has not been reported in the literature in individuals affected with AGK-related conditions. ClinVar contains an entry for this variant (Variation ID: 2163165). This variant disrupts the C-terminus of the AGK protein. Other variant(s) that disrupt this region (p.Tyr390*, p.Gln405*, p.Phe406Valfs*4) have been observed in individuals with AGK-related conditions (PMID: 22277967, 22284826, 31303091). This suggests that this may be a clinically significant region of the protein. In summary, the currently available evidence indicates that the variant is pathogenic, but additional data are needed to prove that conclusively. Therefore, this variant has been classified as Likely Pathogenic.

Literature cited by the submitters: PubMed 22277967; PubMed 22284826; PubMed 31303091.

NM_018238.4(AGK):c.1150_1154del (p.Phe383_Ser384insTer)

Gene: AGK (acylglycerol kinase; plus strand). Cytogenetic location: 7q34.
Variant type: Deletion.
Coding change: c.1150_1154del on transcript NM_018238.4 (MANE Select); coding-DNA positions 1150 to 1154, 5 bases deleted (AGCAT; older notation c.1150_1154delAGCAT).
Protein change: p.Phe383_Ser384insTer.
Molecular consequence: nonsense.
Genome position (GRCh38, 1-based): chr7:141,652,805-141,652,809, AGCAT deleted; deleting any 5 consecutive bases within chr7:141,652,804-141,652,809 gives the same sequence; the c. name uses the placement nearest the transcript's 3' end. VCF-style (leftmost placement, unchanged base first): chr7-141652803-TTAGCA-T. GRCh37 (hg19) VCF-style: chr7-141352603-TTAGCA-T.
Identifiers: ClinVar variation 2163165 (VCV002163165.4), dbSNP rs773677513, ClinGen allele CA168066006.